The following is an entry in ClinVar:

NM_001267550.2(TTN):c.55296T>C (p.Asp18432=)

Genes: TTN (titin; minus strand), TTN-AS1 (TTN antisense RNA 1; plus strand). Cytogenetic location: 2q31.2.
Variant type: single nucleotide variant.
Coding change: c.55296T>C on transcript NM_001267550.2 (MANE Select); coding-DNA position 55296, T replaced by C.
Protein change: p.Asp18432=; no amino-acid change (aspartic acid 18432 retained).
Molecular consequence: synonymous variant.
Genome position (GRCh38, 1-based): chr2:178,601,888, A>G on the plus strand (T>C on the coding strand, the complement: TTN is on the minus strand). VCF-style: chr2-178601888-A-G. GRCh37 (hg19) VCF-style: chr2-179466615-A-G.
Other names: c.50373T>C, p.Asp16791= (NM_001256850.1); c.28101T>C, p.Asp9367= (NM_003319.4); c.47592T>C, p.Asp15864= (NM_133378.4); c.28476T>C, p.Asp9492= (NM_133432.3); c.28677T>C, p.Asp9559= (NM_133437.4).
Identifiers: ClinVar variation 2926176 (VCV002926176.5), dbSNP rs948588457, ClinGen allele CA60978207.

ClinVar aggregate classification (germline): Likely benign. Review status: criteria provided, multiple submitters, no conflicts (2 of 4 stars). 3 submissions from 3 submitters: Likely benign (3). Last evaluated 2026-03-16.

Conditions:
Cardiovascular phenotype. Identifiers: MedGen CN230736.
Autosomal recessive limb-girdle muscular dystrophy type 2J (LGMDR10). Also called: Limb-girdle muscular dystrophy, type 2J; MUSCULAR DYSTROPHY, LIMB-GIRDLE, AUTOSOMAL RECESSIVE 10. Identifiers: Orphanet 140922, MedGen C1837342, MONDO:0012127, OMIM 608807.
Dilated cardiomyopathy 1G (CMD1G). Identifiers: Orphanet 154, MedGen C1858763, MONDO:0011400, OMIM 604145.
TTN-related disorder. Also called: TTN-related condition; TTN-related disease; TTN-related disorders.

Allele frequency attached by ClinVar (database versions not stated): gnomAD exomes below 0.00001; TOPMed 0.00001.
gnomAD v4.1: 5 of 1,611,690 alleles (0.00031%); highest among the groups gnomAD compares: Middle Eastern, 0.05%; no homozygotes.

Submissions (3):

PreventionGenetics, part of Exact Sciences
Classification: Likely benign for TTN-related condition. Last evaluated: 2026-03-16. Review status: criteria provided, single submitter. Criteria: ACMG Guidelines, 2015. Collection method: clinical testing. Allele origin: germline.
Comment: This variant is classified as likely benign based on ACMG/AMP sequence variant interpretation guidelines (Richards et al. 2015 PMID: 25741868, with internal and published modifications).

Ambry Genetics
Classification: Likely benign for Cardiovascular phenotype. Last evaluated: 2024-11-27. Review status: criteria provided, single submitter. Criteria: Ambry Variant Classification Scheme 2023. Collection method: clinical testing. Allele origin: germline.

Labcorp Genetics (formerly Invitae), Labcorp
Classification: Likely benign for Dilated cardiomyopathy 1G; Autosomal recessive limb-girdle muscular dystrophy type 2J. Last evaluated: 2023-05-30. Review status: criteria provided, single submitter. Criteria: Invitae Variant Classification Sherloc (09022015). Collection method: clinical testing. Allele origin: germline.